The following is an entry in ClinVar:

NM_000245.4(MET):c.2923G>A (p.Val975Ile)

Gene: MET (MET proto-oncogene, receptor tyrosine kinase; plus strand). Cytogenetic location: 7q31.2.
Variant type: single nucleotide variant.
Coding change: c.2923G>A on transcript NM_000245.4 (MANE Select); coding-DNA position 2923, G replaced by A.
Protein change: p.Val975Ile; replaces valine 975 with isoleucine.
Molecular consequence: missense variant.
Genome position (GRCh38, 1-based): chr7:116,771,884, G>A. VCF-style: chr7-116771884-G-A. GRCh37 (hg19) VCF-style: chr7-116411938-G-A.
Other names: c.2977G>A, p.Val993Ile (NM_001127500.3); c.1633G>A, p.Val545Ile (NM_001324402.2); short protein forms V545I, V993I, V975I.
Identifiers: ClinVar variation 1798339 (VCV001798339.3), dbSNP rs2116996302, ClinGen allele CA368987048.
Genomic context (GRCh38, chr7:116,771,884, plus strand): 5'-GCTCTTTCTTTCTCTCTGTTTTAAGATCTGGGCAGTGAATTAGTTCGCTACGATGCAAGA[G>A]TACACACTCCTCATTTGGATAGGCTTGTAAGTGCCCGAAGTGTAAGCCCAACTACAGAAA-3'
Protein context (NP_000236.2, residues 965-985): GSELVRYDAR[Val975Ile]HTPHLDRLVS

ClinVar aggregate classification (germline): Uncertain significance. Review status: criteria provided, multiple submitters, no conflicts (2 of 4 stars). 2 submissions from 2 submitters: Uncertain significance (2). Last evaluated 2025-10-22.

Conditions:
Hereditary cancer-predisposing syndrome. Also called: Neoplastic Syndromes, Hereditary; Tumor predisposition; Hereditary Cancer Syndrome; Hereditary neoplastic syndrome. Identifiers: Orphanet 140162, MedGen C0027672, MeSH D009386, MONDO:0015356.
Renal cell carcinoma. Identifiers: Orphanet 217071, MedGen C0007134, MeSH D002292, MONDO:0005086, HP:0005584.

Allele frequency attached by ClinVar (database versions not stated): gnomAD exomes below 0.00001.
gnomAD v4.1: 4 of 1,613,794 alleles (0.00025%); highest among the groups gnomAD compares: South Asian, 0.0011%; no homozygotes.

Submissions (2):

Labcorp Genetics (formerly Invitae), Labcorp
Classification: Uncertain significance for Renal cell carcinoma. Last evaluated: 2025-10-22. Review status: criteria provided, single submitter. Criteria: Invitae Variant Classification Sherloc (09022015). Collection method: clinical testing. Allele origin: germline.
Comment: This sequence change replaces valine, which is neutral and non-polar, with isoleucine, which is neutral and non-polar, at codon 993 of the MET protein (p.Val993Ile). This variant is not present in population databases (gnomAD no frequency). This variant has not been reported in the literature in individuals affected with MET-related conditions. ClinVar contains an entry for this variant (Variation ID: 1798339). An algorithm developed to predict the effect of missense changes on protein structure and function (PolyPhen-2) suggests that this variant is likely to be tolerated. In summary, the available evidence is currently insufficient to determine the role of this variant in disease. Therefore, it has been classified as a Variant of Uncertain Significance.

Ambry Genetics
Classification: Uncertain significance for Hereditary cancer-predisposing syndrome. Last evaluated: 2021-10-12. Review status: criteria provided, single submitter. Criteria: Ambry Variant Classification Scheme 2023. Collection method: clinical testing. Allele origin: germline.
Comment: The p.V993I variant (also known as c.2977G>A), located in coding exon 13 of the MET gene, results from a G to A substitution at nucleotide position 2977. The valine at codon 993 is replaced by isoleucine, an amino acid with highly similar properties. This amino acid position is well conserved in available vertebrate species. In addition, this alteration is predicted to be tolerated by in silico analysis. Since supporting evidence is limited at this time, the clinical significance of this alteration remains unclear.